The following is an entry in ClinVar:

NM_014806.5(RUSC2):c.3775C>T (p.Arg1259Cys)

Gene: RUSC2 (RUN and SH3 domain containing 2; plus strand). Cytogenetic location: 9p13.3.
Variant type: single nucleotide variant.
Coding change: c.3775C>T on transcript NM_014806.5 (MANE Select); coding-DNA position 3775, C replaced by T.
Protein change: p.Arg1259Cys; replaces arginine 1259 with cysteine.
Molecular consequence: missense variant. On other transcripts: non-coding transcript variant (1).
Genome position (GRCh38, 1-based): chr9:35,560,415, C>T. VCF-style: chr9-35560415-C-T. GRCh37 (hg19) VCF-style: chr9-35560412-C-T.
Other names: c.3775C>T, p.Arg1259Cys (NM_001135999.2); c.1141C>T, p.Arg381Cys (NM_001330740.2); short protein forms R381C, R1259C.
Identifiers: ClinVar variation 1398830 (VCV001398830.3), dbSNP rs145538360, ClinGen allele CA5044239.
Genomic context (GRCh38, chr9:35,560,415, plus strand): 5'-GAAGAGGAAGAGGAAGAAGAGGAGACAGAAGAGGTGGCAGAGGCAGCCGGGGGCTCAGGG[C>T]GTGCCAGGTGGGCCCGAGGTGGGCAGGCCGGCTGGTGGTACCAGCTCATGCAGAGCTCCC-3'
Protein context (NP_055621.2, residues 1249-1269): EVAEAAGGSG[Arg1259Cys]ARWARGGQAG

ClinVar aggregate classification (germline): Uncertain significance (1 of 4 stars; one submission).

Allele frequency attached by ClinVar (database versions not stated): gnomAD exomes 0.00001 and 0.00002; gnomAD 0.00002; TOPMed 0.00002; ExAC 0.00003; ESP Exome Variant Server 0.00015.
gnomAD v4.1: 9 of 1,614,022 alleles (0.00056%); highest among the groups gnomAD compares: African/African-American, 0.004%; no homozygotes.

Submission:

Labcorp Genetics (formerly Invitae), Labcorp
Classification: Uncertain significance. Last evaluated: 2021-10-28. Review status: criteria provided, single submitter. Criteria: Invitae Variant Classification Sherloc (09022015). Collection method: clinical testing. Allele origin: germline.
Comment: This sequence change replaces arginine, which is basic and polar, with cysteine, which is neutral and slightly polar, at codon 1259 of the RUSC2 protein (p.Arg1259Cys). This variant is present in population databases (rs145538360, gnomAD 0.02%). This variant has not been reported in the literature in individuals affected with RUSC2-related conditions. Algorithms developed to predict the effect of missense changes on protein structure and function are either unavailable or do not agree on the potential impact of this missense change (SIFT: "Deleterious"; PolyPhen-2: "Benign"; Align-GVGD: "Class C0"). Algorithms developed to predict the effect of sequence changes on RNA splicing suggest that this variant may create or strengthen a splice site. In summary, the available evidence is currently insufficient to determine the role of this variant in disease. Therefore, it has been classified as a Variant of Uncertain Significance.